The following is an entry in ClinVar:

ClinVar aggregate classification (germline): Pathogenic (1 of 4 stars; one submission).

Conditions:
CHARGE syndrome (CHARGE). Also called: Hittner Hirsch Kreh syndrome; CHARGE ASSOCIATION--COLOBOMA, HEART ANOMALY, CHOANAL ATRESIA, RETARDATION, GENITAL AND EAR ANOMALIES; Coloboma, heart anomaly, choanal atresia, retardation, genital and ear anomalies; CHARGE association; Hall-Hittner syndrome. Identifiers: Orphanet 138, MedGen C0265354, MONDO:0008965.

Submission:

Labcorp Genetics (formerly Invitae), Labcorp
Classification: Pathogenic for CHARGE syndrome. Last evaluated: 2022-06-13. Review status: criteria provided, single submitter. Criteria: Invitae Variant Classification Sherloc (09022015). Collection method: clinical testing. Allele origin: germline.
Comment: For these reasons, this variant has been classified as Pathogenic. Algorithms developed to predict the effect of sequence changes on RNA splicing suggest that this variant may disrupt the consensus splice site. Advanced modeling of protein sequence and biophysical properties (such as structural, functional, and spatial information, amino acid conservation, physicochemical variation, residue mobility, and thermodynamic stability) performed at Invitae indicates that this missense variant is not expected to disrupt CHD7 protein function. This sequence change replaces asparagine, which is neutral and polar, with serine, which is neutral and polar, at codon 2588 of the CHD7 protein (p.Asn2588Ser). ClinVar contains an entry for this variant (Variation ID: 459563). This missense change has been observed in individual(s) with clinical features of CHARGE syndrome (PMID: 28475860, 29304373; Invitae). In at least one individual the variant was observed to be de novo. This variant is not present in population databases (gnomAD no frequency).

Literature cited by the submitters: PubMed 28475860; PubMed 29304373.

NM_017780.4(CHD7):c.7763A>G (p.Asn2588Ser)

Gene: CHD7 (chromodomain helicase DNA binding protein 7; plus strand). Cytogenetic location: 8q12.2.
Variant type: single nucleotide variant.
Coding change: c.7763A>G on transcript NM_017780.4 (MANE Select); coding-DNA position 7763, A replaced by G.
Protein change: p.Asn2588Ser; replaces asparagine 2588 with serine.
Molecular consequence: missense variant. On other transcripts: intron variant (1).
Genome position (GRCh38, 1-based): chr8:60,861,058, A>G. VCF-style: chr8-60861058-A-G. GRCh37 (hg19) VCF-style: chr8-61773617-A-G.
Other names: c.1717-1171A>G (NM_001316690.1); short protein forms N2588S.
Identifiers: ClinVar variation 459563 (VCV000459563.6), dbSNP rs1554606033, ClinGen allele CA371304642.